The following is an entry in ClinVar:

ClinVar aggregate classification (germline): Pathogenic (1 of 4 stars; one submission).

Conditions:
ALG1-congenital disorder of glycosylation. Also called: CONGENITAL DISORDER OF GLYCOSYLATION, TYPE Ik; CDG Ik; ALG1-CDG. Identifiers: Orphanet 79327, MedGen C2931005, MONDO:0012052, OMIM 608540.

Submission:

Labcorp Genetics (formerly Invitae), Labcorp
Classification: Pathogenic for ALG1-congenital disorder of glycosylation. Last evaluated: 2023-10-06. Review status: criteria provided, single submitter. Criteria: Invitae Variant Classification Sherloc (09022015). Collection method: clinical testing. Allele origin: germline.
Comment: This sequence change creates a premature translational stop signal (p.Pro324Leufs*2) in the ALG1 gene. It is expected to result in an absent or disrupted protein product. Loss-of-function variants in ALG1 are known to be pathogenic (PMID: 20679665, 23806237). This variant is not present in population databases (gnomAD no frequency). This variant has not been reported in the literature in individuals affected with ALG1-related conditions. Algorithms developed to predict the effect of sequence changes on RNA splicing suggest that this variant may create or strengthen a splice site. For these reasons, this variant has been classified as Pathogenic.

Literature cited by the submitters: PubMed 20679665; PubMed 23806237.

NM_019109.5(ALG1):c.969del (p.Pro324fs)

Gene: ALG1 (ALG1 chitobiosyldiphosphodolichol beta-mannosyltransferase; plus strand). Cytogenetic location: 16p13.3.
Variant type: Deletion.
Coding change: c.969del on transcript NM_019109.5 (MANE Select); coding-DNA position 969, one base deleted (G; older notation c.969delG).
Protein change: p.Pro324fs; shifts the reading frame from proline 324.
Molecular consequence: frameshift variant.
Genome position (GRCh38, 1-based): chr16:5,080,953, G deleted; the last of 3 consecutive G bases (chr16:5,080,951-5,080,953); deleting any one gives the same sequence. VCF-style (leftmost placement, unchanged base first): chr16-5080950-AG-A. GRCh37 (hg19) VCF-style: chr16-5130951-AG-A.
Other names: c.636del, p.Pro213fs (NM_001330504.2); short protein forms P324fs, P213fs.
Identifiers: ClinVar variation 2781356 (VCV002781356.3), dbSNP rs2505868653, ClinGen allele CA2631591133.